The following is an entry in ClinVar:

NM_015166.4(MLC1):c.1008G>T (p.Gln336His)

Gene: MLC1 (modulator of VRAC current 1; minus strand). Cytogenetic location: 22q13.33.
Variant type: single nucleotide variant.
Coding change: c.1008G>T on transcript NM_015166.4 (MANE Select); coding-DNA position 1008, G replaced by T.
Protein change: p.Gln336His; replaces glutamine 336 with histidine.
Molecular consequence: missense variant. On other transcripts: non-coding transcript variant (3).
Genome position (GRCh38, 1-based): chr22:50,064,085, C>A on the plus strand (G>T on the coding strand, the complement: MLC1 is on the minus strand). VCF-style: chr22-50064085-C-A. GRCh37 (hg19) VCF-style: chr22-50502514-C-A.
Other names: c.1008G>T, p.Gln336His (NM_001376472.1, NM_001376473.1, NM_001376474.1 and 5 more transcripts); c.951G>T, p.Gln317His (NM_001376479.1); c.918G>T, p.Gln306His (NM_001376480.1); c.906G>T, p.Gln302His (NM_001376481.1); c.852G>T, p.Gln284His (NM_001376482.1, NM_001376483.1); c.771G>T, p.Gln257His (NM_001376484.1); short protein forms Q336H, Q257H, Q284H, Q302H, Q306H, Q317H.
Identifiers: ClinVar variation 547978 (VCV000547978.12), dbSNP rs139336504, ClinGen allele CA10303272.

ClinVar aggregate classification (germline): Uncertain significance. Review status: criteria provided, multiple submitters, no conflicts (2 of 4 stars). 7 submissions from 7 submitters: Uncertain significance (7). Last evaluated 2024-12-10.

Conditions:
Megalencephalic leukoencephalopathy with subcortical cysts 1 (MLC1). Also called: VACUOLATING MEGALENCEPHALIC LEUKOENCEPHALOPATHY WITH SUBCORTICAL CYSTS; LEUKOENCEPHALOPATHY WITH SWELLING AND CYSTS. Identifiers: Orphanet 2478, MedGen C5779875, MONDO:0024555, OMIM 604004.
Inborn genetic diseases. Identifiers: MedGen C0950123, MeSH D030342.

Allele frequency attached by ClinVar (database versions not stated): gnomAD 0.00020 and 0.00016; ExAC 0.00024; ESP Exome Variant Server 0.00031; gnomAD exomes 0.00014; TOPMed 0.00018.
gnomAD v4.1: 241 of 1,609,726 alleles (0.015%); highest among the groups gnomAD compares: Middle Eastern, 0.05%; 8 homozygotes.

Submissions (7):

Ambry Genetics
Classification: Uncertain significance for Inborn genetic diseases. Last evaluated: 2024-12-10. Review status: criteria provided, single submitter. Criteria: Ambry Variant Classification Scheme 2023. Collection method: clinical testing. Allele origin: germline.

Blueprint Genetics
Classification: Uncertain significance. Last evaluated: 2024-09-12. Review status: criteria provided, single submitter. Criteria: ACMG Guidelines, 2015. Collection method: clinical testing. Allele origin: germline.

Labcorp Genetics (formerly Invitae), Labcorp
Classification: Uncertain significance. Last evaluated: 2022-09-07. Review status: criteria provided, single submitter. Criteria: Invitae Variant Classification Sherloc (09022015). Collection method: clinical testing. Allele origin: germline.
Comment: This sequence change replaces glutamine, which is neutral and polar, with histidine, which is basic and polar, at codon 336 of the MLC1 protein (p.Gln336His). This variant is present in population databases (rs139336504, gnomAD 0.03%). This variant has not been reported in the literature in individuals affected with MLC1-related conditions. ClinVar contains an entry for this variant (Variation ID: 547978). Algorithms developed to predict the effect of missense changes on protein structure and function are either unavailable or do not agree on the potential impact of this missense change (SIFT: "Tolerated"; PolyPhen-2: "Probably Damaging"; Align-GVGD: "Class C0"). In summary, the available evidence is currently insufficient to determine the role of this variant in disease. Therefore, it has been classified as a Variant of Uncertain Significance.

Fulgent Genetics
Classification: Uncertain significance for Megalencephalic leukoencephalopathy with subcortical cysts 1. Last evaluated: 2021-12-13. Review status: criteria provided, single submitter. Criteria: ACMG Guidelines, 2015. Collection method: clinical testing. Allele origin: unknown.

Baylor Genetics
Classification: Uncertain significance for Megalencephalic leukoencephalopathy with subcortical cysts 1. Last evaluated: 2018-07-31. Review status: criteria provided, single submitter. Criteria: ACMG Guidelines, 2015. Collection method: clinical testing. Allele origin: maternal. Affected: yes.
Comment: This variant was determined to be of uncertain significance according to ACMG Guidelines, 2015 [PMID:25741868].

Mayo Clinic Laboratories, Mayo Clinic
Classification: Uncertain significance for Megalencephalic leukoencephalopathy with subcortical cysts 1. Last evaluated: 2017-05-30. Review status: criteria provided, single submitter. Criteria: ACMG Guidelines, 2015. Collection method: clinical testing. Allele origin: paternal.

Breakthrough Genomics
Classification: Uncertain significance. Review status: criteria provided, single submitter. Criteria: ACMG Guidelines, 2015. Collection method: not provided. Allele origin: germline. Inheritance: Autosomal dominant inheritance. Affected: yes.